The following is an entry in ClinVar:

NM_019892.6(INPP5E):c.972A>G (p.Pro324=)

Gene: INPP5E (inositol polyphosphate-5-phosphatase E; minus strand). Cytogenetic location: 9q34.3.
Variant type: single nucleotide variant.
Coding change: c.972A>G on transcript NM_019892.6 (MANE Select); coding-DNA position 972, A replaced by G.
Protein change: p.Pro324=; no amino-acid change (proline 324 retained).
Molecular consequence: synonymous variant.
Genome position (GRCh38, 1-based): chr9:136,434,099, T>C on the plus strand (A>G on the coding strand, the complement: INPP5E is on the minus strand). VCF-style: chr9-136434099-T-C. GRCh37 (hg19) VCF-style: chr9-139328551-T-C.
Other names: p.P324P:CCA>CCG; p.Pro324=; c.972A>G, p.Pro324= (NM_001318502.2).
Identifiers: ClinVar variation 129277 (VCV000129277.26), dbSNP rs10870199, ClinGen allele CA153177.

ClinVar aggregate classification (germline): Benign. Review status: criteria provided, multiple submitters, no conflicts (2 of 4 stars). 10 submissions from 9 submitters: Benign (9). 1 of the submissions does not count toward it. Last evaluated 2026-02-04.

Conditions:
Joubert syndrome 1 (JBTS1). Also called: Cerebellooculorenal syndrome 1; CEREBELLOPARENCHYMAL DISORDER IV. Identifiers: MedGen C4551568, MONDO:0008944, OMIM 213300.
MORM syndrome (MORMS). Identifiers: Orphanet 75858, MedGen C1857802, MONDO:0012423, OMIM 610156.
Joubert syndrome. Also called: Familial aplasia of the vermis; JOUBERT-BOLTSHAUSER SYNDROME. Identifiers: Orphanet 475, MedGen C5979921, MONDO:0018772.

Allele frequency attached by ClinVar (database versions not stated): ESP Exome Variant Server 0.10071; gnomAD 0.10324 and 0.10755; TOPMed 0.11572; 1000 Genomes Project 30x 0.12367; 1000 Genomes Project 0.12380; gnomAD exomes 0.14076 and 0.14421; ExAC 0.15959.

Submissions (10):

Labcorp Genetics (formerly Invitae), Labcorp
Classification: Benign for Joubert syndrome. Last evaluated: 2026-02-04. Review status: criteria provided, single submitter. Criteria: Invitae Variant Classification Sherloc (09022015). Collection method: clinical testing. Allele origin: germline.

Blueprint Genetics
Classification: Benign. Last evaluated: 2024-11-27. Review status: criteria provided, single submitter. Criteria: ACMG Guidelines, 2015. Collection method: clinical testing. Allele origin: germline.

Mayo Clinic Laboratories, Mayo Clinic
Classification: Benign. Last evaluated: 2022-03-09. Review status: criteria provided, single submitter. Criteria: ACMG Guidelines, 2015. Collection method: clinical testing. Allele origin: germline. Observed: 17 variant alleles.

Genome-Nilou Lab
Classification: Benign for Joubert syndrome 1. Last evaluated: 2021-08-19. Review status: criteria provided, single submitter. Criteria: ACMG Guidelines, 2015. Collection method: clinical testing. Allele origin: germline. Affected: no.

Genome-Nilou Lab
Classification: Benign for MORM syndrome. Last evaluated: 2021-08-19. Review status: criteria provided, single submitter. Criteria: ACMG Guidelines, 2015. Collection method: clinical testing. Allele origin: germline. Affected: no.

Illumina Laboratory Services, Illumina
Classification: Benign for Joubert syndrome 1. Last evaluated: 2018-01-12. Review status: criteria provided, single submitter. Criteria: ICSL Variant Classification Criteria 13 December 2019. Collection method: clinical testing. Allele origin: germline.
Comment: This variant was observed in the ICSL laboratory as part of a predisposition screen in an ostensibly healthy population. It had not been previously curated by ICSL or reported in the Human Gene Mutation Database (HGMD: prior to June 1st, 2018), and was therefore a candidate for classification through an automated scoring system. Utilizing variant allele frequency, disease prevalence and penetrance estimates, and inheritance mode, an automated score was calculated to assess if this variant is too frequent to cause the disease. Based on the score and internal cut-off values, a variant classified as benign is not then subjected to further curation. The score for this variant resulted in a classification of benign for this disease.

GeneDx
Classification: Benign. Last evaluated: 2014-02-27. Review status: criteria provided, single submitter. Criteria: GeneDx Variant Classification (06012015). Collection method: clinical testing. Allele origin: germline. Affected: yes.
Comment: This variant is considered likely benign or benign based on one or more of the following criteria: it is a conservative change, it occurs at a poorly conserved position in the protein, it is predicted to be benign by multiple in silico algorithms, and/or has population frequency not consistent with disease.

Breakthrough Genomics
Classification: Benign. Review status: criteria provided, single submitter. Criteria: ACMG Guidelines, 2015. Collection method: not provided. Allele origin: germline. Inheritance: Autosomal recessive inheritance. Affected: yes.

PreventionGenetics, part of Exact Sciences
Classification: Benign. Review status: criteria provided, single submitter. Criteria: ACMG Guidelines, 2015. Collection method: clinical testing. Allele origin: germline.

Genetic Services Laboratory, University of Chicago
Classification: Likely benign for AllHighlyPenetrant. Review status: no assertion criteria provided. Collection method: clinical testing. Allele origin: germline. Inheritance: Autosomal recessive inheritance. Not counted in ClinVar's aggregate classification.
Comment: Likely benign based on allele frequency in 1000 Genomes Project or ESP global frequency and its presence in a patient with a rare or unrelated disease phenotype. NOT Sanger confirmed.